The following is an entry in ClinVar:

ClinVar aggregate classification (germline): Conflicting classifications of pathogenicity. Review status: criteria provided, conflicting classifications (1 of 4 stars). 7 submissions from 7 submitters: Uncertain significance (2); Likely benign (5). Last evaluated 2026-01-23.

Conditions:
Cardiovascular phenotype. Identifiers: MedGen CN230736.
TTN-related disorder. Also called: TTN-related condition; TTN-related disease; TTN-related disorders.
Autosomal recessive limb-girdle muscular dystrophy type 2J (LGMDR10). Also called: MUSCULAR DYSTROPHY, LIMB-GIRDLE, AUTOSOMAL RECESSIVE 10; Limb-girdle muscular dystrophy, type 2J. Identifiers: Orphanet 140922, MedGen C1837342, MONDO:0012127, OMIM 608807.
Dilated cardiomyopathy 1G (CMD1G). Identifiers: Orphanet 154, MedGen C1858763, MONDO:0011400, OMIM 604145.

Allele frequency attached by ClinVar (database versions not stated): ExAC 0.00002; gnomAD exomes 0.00002; ESP Exome Variant Server 0.00008; TOPMed 0.00017.
gnomAD v4.1: 47 of 1,613,534 alleles (0.0029%); highest among the groups gnomAD compares: African/African-American, 0.032%; no homozygotes.

Submissions (7):

Labcorp Genetics (formerly Invitae), Labcorp
Classification: Likely benign for Dilated cardiomyopathy 1G; Autosomal recessive limb-girdle muscular dystrophy type 2J. Last evaluated: 2026-01-23. Review status: criteria provided, single submitter. Criteria: Invitae Variant Classification Sherloc (09022015). Collection method: clinical testing. Allele origin: germline.

PreventionGenetics, part of Exact Sciences
Classification: Likely benign for TTN-related condition. Last evaluated: 2025-11-04. Review status: criteria provided, single submitter. Criteria: ACMG Guidelines, 2015. Collection method: clinical testing. Allele origin: germline.
Comment: This variant is classified as likely benign based on ACMG/AMP sequence variant interpretation guidelines (Richards et al. 2015 PMID: 25741868, with internal and published modifications).

Women's Health and Genetics/Laboratory Corporation of America, LabCorp
Classification: Likely benign. Last evaluated: 2025-05-22. Review status: criteria provided, single submitter. Criteria: LabCorp Variant Classification Summary - May 2015. Collection method: clinical testing. Allele origin: germline.

Revvity Omics, Revvity
Classification: Uncertain significance. Last evaluated: 2022-04-14. Review status: criteria provided, single submitter. Criteria: ACMG Guidelines, 2015. Collection method: clinical testing. Allele origin: germline.

GeneDx
Classification: Likely benign. Last evaluated: 2021-06-15. Review status: criteria provided, single submitter. Criteria: GeneDx Variant Classification Process June 2021. Collection method: clinical testing. Allele origin: germline. Affected: yes.

Eurofins Ntd Llc (ga)
Classification: Uncertain significance. Last evaluated: 2016-10-25. Review status: criteria provided, single submitter. Criteria: EGL Classification Definitions 2015. Collection method: clinical testing. Allele origin: germline. Observed: 2 variant alleles, 2 heterozygotes.

Ambry Genetics
Classification: Likely benign for Cardiovascular phenotype. Last evaluated: 2013-07-12. Review status: criteria provided, single submitter. Criteria: Ambry Autosomal Dominant and X-Linked criteria (10/2015). Collection method: clinical testing. Allele origin: germline. Observed: 1 variant allele.

NM_001267550.2(TTN):c.18720A>G (p.Arg6240=)

Genes: TTN (titin; minus strand), LOC126806430 (BRD4-independent group 4 enhancer GRCh37_chr2:179593794-179594993; plus strand). Cytogenetic location: 2q31.2.
Variant type: single nucleotide variant.
Coding change: c.18720A>G on transcript NM_001267550.2 (MANE Select); coding-DNA position 18720, A replaced by G.
Protein change: p.Arg6240=; no amino-acid change (arginine 6240 retained).
Molecular consequence: synonymous variant. On other transcripts: intron variant (3).
Genome position (GRCh38, 1-based): chr2:178,729,436, T>C on the plus strand (A>G on the coding strand, the complement: TTN is on the minus strand). VCF-style: chr2-178729436-T-C. GRCh37 (hg19) VCF-style: chr2-179594163-T-C.
Other names: c.17769A>G, p.Arg5923= (NM_001256850.1); c.14988A>G, p.Arg4996= (NM_133378.4); c.13282+8646A>G (NM_003319.4); c.13858+8646A>G (NM_133437.4); c.13657+8646A>G (NM_133432.3).
Identifiers: ClinVar variation 263663 (VCV000263663.26), dbSNP rs201395913, ClinGen allele CA2001551.
Genomic context (GRCh38, chr2:178,729,436, plus strand): 5'-CTTGGTTATATGGAGGTTAAACACAGACACTCTGTCGGTCAATGTGTATTTTTTGCTGCT[T>C]CGAATTTCCCTGTTATTCTTCAGCCAAGTGACTTCAAACGGAGGTGTTCCCGTAACTTCA-3'
Protein context (NP_001254479.2, residues 6230-6250): VTWLKNNREI[Arg6240=]SSKKYTLTDR